The following is an entry in ClinVar:

NM_001943.5(DSG2):c.622C>T (p.Pro208Ser)

Gene: DSG2 (desmoglein 2; plus strand). Cytogenetic location: 18q12.1.
Variant type: single nucleotide variant.
Coding change: c.622C>T on transcript NM_001943.5 (MANE Select); coding-DNA position 622, C replaced by T.
Protein change: p.Pro208Ser; replaces proline 208 with serine.
Molecular consequence: missense variant.
Genome position (GRCh38, 1-based): chr18:31,522,181, C>T. VCF-style: chr18-31522181-C-T. GRCh37 (hg19) VCF-style: chr18-29102144-C-T.
Other names: short protein forms P208S.
Identifiers: ClinVar variation 3069770 (VCV003069770.1), dbSNP rs2510911650, ClinGen allele CA402133767.
Genomic context (GRCh38, chr18:31,522,181, plus strand): 5'-GAGCCCAATACCCTGAATTCGAAAATTTCCTATAGAATCGTATCTCTGGAGCCTGCTTAT[C>T]CTCCAGTGTTCTACCTAAATAAAGATACAGGAGAGATTTATACAACCAGTGTTACCTTGG-3'
Protein context (NP_001934.2, residues 198-218): YRIVSLEPAY[Pro208Ser]PVFYLNKDTG

ClinVar aggregate classification (germline): Uncertain significance (1 of 4 stars; one submission).

Conditions:
Arrhythmogenic right ventricular cardiomyopathy (ARVD). Also called: Arrhythmogenic right ventricular dysplasia; Cardiomyopathy, ARVC; Arrhythmogenic cardiomyopathy; Arrhythmogenic Right Ventricular Cardiomyopathy (ARVC). Identifiers: Orphanet 247, MedGen C0349788, MeSH D019571, MONDO:0016587. Disease mechanism: loss of function. Inheritance: Various modes of inheritance.

Allele frequency attached by ClinVar (database versions not stated): gnomAD exomes below 0.00001.
gnomAD v4.1: 1 of 1,613,416 alleles (0.000062%); highest among the groups gnomAD compares: Non-Finnish European, 0.000085%; no homozygotes.

Submission:

All of Us Research Program, National Institutes of Health
Classification: Uncertain significance for Arrhythmogenic right ventricular cardiomyopathy. Last evaluated: 2023-03-07. Review status: criteria provided, single submitter. Criteria: ACMG Guidelines, 2015. Collection method: clinical testing. Allele origin: germline. Inheritance: Autosomal dominant inheritance. Observed: 1 variant allele, 1 heterozygote.
Comment: This missense variant replaces proline with serine at codon 208 of the DSG2 protein. Computational prediction suggests that this variant may not impact protein structure and function (internally defined REVEL score threshold <= 0.5, PMID: 27666373). To our knowledge, functional studies have not been reported for this variant. This variant has not been reported in individuals affected with DSG2-related disorders in the literature. This variant has not been identified in the general population by the Genome Aggregation Database (gnomAD). The available evidence is insufficient to determine the role of this variant in disease conclusively. Therefore, this variant is classified as a Variant of Uncertain Significance.

This study involves interpretation of variants in research participants for the purpose of population health screening. Participant phenotype was not available at the time of variant classification. Additional details can be found in publication PMID: 35346344, PMCID: PMC8962531